The following is an entry in ClinVar:

NM_000399.3(EGR2):c.-3193C>A

Gene: EGR2 (early growth response 2; minus strand). Cytogenetic location: 10q21.3.
Variant type: single nucleotide variant.
Coding change: c.-3193C>A on transcript NM_000399.3; 3193 bases upstream of the start codon, C replaced by A.
Genome position (GRCh38, 1-based): chr10:62,819,222, G>T on the plus strand (C>A on the coding strand, the complement: EGR2 is on the minus strand). VCF-style: chr10-62819222-G-T. GRCh37 (hg19) VCF-style: chr10-64578982-G-T.
Identifiers: ClinVar variation 680030 (VCV000680030.4), dbSNP rs648746, ClinGen allele CA13156853.

ClinVar aggregate classification (germline): Benign. Review status: criteria provided, multiple submitters, no conflicts (2 of 4 stars). 2 submissions from 2 submitters: Benign (2). Last evaluated 2018-06-20.

Allele frequency attached by ClinVar (database versions not stated): gnomAD 0.37987 and 0.37332; 1000 Genomes Project 0.39018; gnomAD exomes 0.30769; TOPMed 0.36447; 1000 Genomes Project 30x 0.38054.

Submissions (2):

GeneDx
Classification: Benign. Last evaluated: 2018-06-20. Review status: criteria provided, single submitter. Criteria: GeneDx Variant Classification (06012015). Collection method: clinical testing. Allele origin: germline. Affected: yes.
Comment: This variant is considered likely benign or benign based on one or more of the following criteria: it is a conservative change, it occurs at a poorly conserved position in the protein, it is predicted to be benign by multiple in silico algorithms, and/or has population frequency not consistent with disease.

Breakthrough Genomics
Classification: Benign. Review status: criteria provided, single submitter. Criteria: ACMG Guidelines, 2015. Collection method: not provided. Allele origin: germline. Inheritance: Autosomal recessive inheritance. Affected: yes.